The following is an entry in ClinVar:

NM_030665.4(RAI1):c.2829G>A (p.Glu943=)

Gene: RAI1 (retinoic acid induced 1; plus strand). Cytogenetic location: 17p11.2.
Variant type: single nucleotide variant.
Coding change: c.2829G>A on transcript NM_030665.4 (MANE Select); coding-DNA position 2829, G replaced by A.
Protein change: p.Glu943=; no amino-acid change (glutamic acid 943 retained).
Molecular consequence: synonymous variant.
Genome position (GRCh38, 1-based): chr17:17,795,777, G>A. VCF-style: chr17-17795777-G-A. GRCh37 (hg19) VCF-style: chr17-17699091-G-A.
Identifiers: ClinVar variation 3358573 (VCV003358573.2).
Genomic context (GRCh38, chr17:17,795,777, plus strand): 5'-GTCCGTCATCCTGCTGGGCCCTACAGTGGGCACCGAGTCAAAGGTCCAGAGCTGGTTTGA[G>A]TCCTCTCTGTCACACATGAAGCCAGGTGAAGAGGGGCCTGATGGGGAGCGAGCTCCAGGG-3'
Protein context (NP_109590.3, residues 933-953): GTESKVQSWF[Glu943=]SSLSHMKPGE

ClinVar aggregate classification (germline): Likely benign. Review status: criteria provided, single submitter (1 of 4 stars). 2 submissions from 2 submitters: Likely benign (1). 1 of the submissions does not count toward it. Last evaluated 2021-09-15.

Conditions:
RAI1-related disorder. Also called: RAI1-related condition.

gnomAD v4.1: 5 of 1,613,616 alleles (0.00031%); highest among the groups gnomAD compares: Non-Finnish European, 0.00034%; no homozygotes.

Submissions (2):

Blueprint Genetics
Classification: Likely benign. Last evaluated: 2021-09-15. Review status: criteria provided, single submitter. Criteria: ACMG Guidelines, 2015. Collection method: clinical testing. Allele origin: germline.

PreventionGenetics, part of Exact Sciences
Classification: Likely benign for RAI1-related condition. Last evaluated: 2023-07-14. Review status: no assertion criteria provided. Collection method: clinical testing. Allele origin: germline. Not counted in ClinVar's aggregate classification.
Comment: This variant is classified as likely benign based on ACMG/AMP sequence variant interpretation guidelines (Richards et al. 2015 PMID: 25741868, with internal and published modifications).